The following is an entry in ClinVar:

ClinVar aggregate classification (germline): Uncertain significance. Review status: criteria provided, multiple submitters, no conflicts (2 of 4 stars). 4 submissions from 3 submitters: Uncertain significance (4). Last evaluated 2025-11-13.

Conditions:
Familial cutaneous telangiectasia and oropharyngeal predisposition cancer syndrome. Identifiers: Orphanet 313846, MedGen C3281203, MONDO:0013806, OMIM 614564.
Seckel syndrome 1 (SCKL1). Also called: MICROCEPHALIC PRIMORDIAL DWARFISM I. Identifiers: Orphanet 808, MedGen C4551474, MONDO:0008869, OMIM 210600.
Inborn genetic diseases. Identifiers: MedGen C0950123, MeSH D030342.

Allele frequency attached by ClinVar (database versions not stated): gnomAD exomes 0.00001 and 0.00004; ExAC 0.00008.
gnomAD v4.1: 15 of 1,612,428 alleles (0.00093%); highest among the groups gnomAD compares: Non-Finnish European, 0.0013%; no homozygotes.

Submissions (4):

Ambry Genetics
Classification: Uncertain significance for Inborn genetic diseases. Last evaluated: 2025-11-13. Review status: criteria provided, single submitter. Criteria: Ambry Variant Classification Scheme 2023. Collection method: clinical testing. Allele origin: germline.

Genome-Nilou Lab
Classification: Uncertain significance for Seckel syndrome 1. Last evaluated: 2023-02-08. Review status: criteria provided, single submitter. Criteria: ACMG Guidelines, 2015. Collection method: clinical testing. Allele origin: germline.

Genome-Nilou Lab
Classification: Uncertain significance for Familial cutaneous telangiectasia and oropharyngeal predisposition cancer syndrome. Last evaluated: 2023-02-08. Review status: criteria provided, single submitter. Criteria: ACMG Guidelines, 2015. Collection method: clinical testing. Allele origin: germline.

Labcorp Genetics (formerly Invitae), Labcorp
Classification: Uncertain significance. Last evaluated: 2021-07-06. Review status: criteria provided, single submitter. Criteria: Invitae Variant Classification Sherloc (09022015). Collection method: clinical testing. Allele origin: germline.
Comment: This sequence change replaces valine with isoleucine at codon 29 of the ATR protein (p.Val29Ile). The valine residue is moderately conserved and there is a small physicochemical difference between valine and isoleucine. This variant is present in population databases (rs746600246, ExAC 0.02%). This variant has not been reported in the literature in individuals affected with ATR-related conditions. Algorithms developed to predict the effect of missense changes on protein structure and function output the following: SIFT: "Tolerated"; PolyPhen-2: "Benign"; Align-GVGD: "Class C0". The isoleucine amino acid residue is found in multiple mammalian species, which suggests that this missense change does not adversely affect protein function. In summary, the available evidence is currently insufficient to determine the role of this variant in disease. Therefore, it has been classified as a Variant of Uncertain Significance.

NM_001184.4(ATR):c.85G>A (p.Val29Ile)

Gene: ATR (ATR checkpoint kinase; minus strand). Cytogenetic location: 3q23.
Variant type: single nucleotide variant.
Coding change: c.85G>A on transcript NM_001184.4 (MANE Select); coding-DNA position 85, G replaced by A.
Protein change: p.Val29Ile; replaces valine 29 with isoleucine.
Molecular consequence: missense variant.
Genome position (GRCh38, 1-based): chr3:142,568,129, C>T on the plus strand (G>A on the coding strand, the complement: ATR is on the minus strand). VCF-style: chr3-142568129-C-T. GRCh37 (hg19) VCF-style: chr3-142286971-C-T.
Other names: c.85G>A, p.Val29Ile (NM_001354579.2); short protein forms V29I.
Identifiers: ClinVar variation 1376740 (VCV001376740.11), dbSNP rs746600246, ClinGen allele CA2650850.